The following is an entry in ClinVar:

ClinVar aggregate classification (germline): Uncertain significance (1 of 4 stars; one submission).

Allele frequency attached by ClinVar (database versions not stated): gnomAD exomes below 0.00001.
gnomAD v4.1: 1 of 1,614,098 alleles (0.000062%); highest among the groups gnomAD compares: East Asian, 0.0022%; no homozygotes.

Submission:

Labcorp Genetics (formerly Invitae), Labcorp
Classification: Uncertain significance. Last evaluated: 2023-11-04. Review status: criteria provided, single submitter. Criteria: Invitae Variant Classification Sherloc (09022015). Collection method: clinical testing. Allele origin: germline.
Comment: This sequence change replaces proline, which is neutral and non-polar, with threonine, which is neutral and polar, at codon 310 of the COL4A1 protein (p.Pro310Thr). This variant is not present in population databases (gnomAD no frequency). This variant has not been reported in the literature in individuals affected with COL4A1-related conditions. Advanced modeling of protein sequence and biophysical properties (such as structural, functional, and spatial information, amino acid conservation, physicochemical variation, residue mobility, and thermodynamic stability) performed at Invitae indicates that this missense variant is not expected to disrupt COL4A1 protein function with a negative predictive value of 95%. In summary, the available evidence is currently insufficient to determine the role of this variant in disease. Therefore, it has been classified as a Variant of Uncertain Significance.

NM_001845.6(COL4A1):c.928C>A (p.Pro310Thr)

Gene: COL4A1 (collagen type IV alpha 1 chain; minus strand). Cytogenetic location: 13q34.
Variant type: single nucleotide variant.
Coding change: c.928C>A on transcript NM_001845.6 (MANE Select); coding-DNA position 928, C replaced by A.
Protein change: p.Pro310Thr; replaces proline 310 with threonine.
Molecular consequence: missense variant.
Genome position (GRCh38, 1-based): chr13:110,205,382, G>T on the plus strand (C>A on the coding strand, the complement: COL4A1 is on the minus strand). VCF-style: chr13-110205382-G-T. GRCh37 (hg19) VCF-style: chr13-110857729-G-T.
Other names: c.928C>A, p.Pro310Thr (NM_001303110.2); short protein forms P310T.
Identifiers: ClinVar variation 2693126 (VCV002693126.3), dbSNP rs2501579412, ClinGen allele CA388724660.